The following is an entry in ClinVar:

ClinVar aggregate classification (germline): Benign. Review status: criteria provided, multiple submitters, no conflicts (2 of 4 stars). 2 submissions from 2 submitters: Benign (2). Last evaluated 2018-11-11.

Conditions:
Focal segmental glomerulosclerosis 3, susceptibility to (FSGS3). Identifiers: Orphanet 656, MedGen C1842982, MONDO:0011917, OMIM 607832.

Allele frequency attached by ClinVar (database versions not stated): TOPMed 0.07293; 1000 Genomes Project 0.08127; 1000 Genomes Project 30x 0.08385.
gnomAD v4.1: 14,947 of 201,940 alleles (7.4%); highest among the groups gnomAD compares: South Asian, 12%; 636 homozygotes.

Submissions (2):

GeneDx
Classification: Benign. Last evaluated: 2018-11-11. Review status: criteria provided, single submitter. Criteria: GeneDx Variant Classification Process June 2021. Collection method: clinical testing. Allele origin: germline. Affected: yes.

Illumina Laboratory Services, Illumina
Classification: Benign for Focal segmental glomerulosclerosis 3, susceptibility to. Last evaluated: 2018-01-12. Review status: criteria provided, single submitter. Criteria: ICSL Variant Classification Criteria 13 December 2019. Collection method: clinical testing. Allele origin: germline.
Comment: This variant was observed in the ICSL laboratory as part of a predisposition screen in an ostensibly healthy population. It had not been previously curated by ICSL or reported in the Human Gene Mutation Database (HGMD: prior to June 1st, 2018), and was therefore a candidate for classification through an automated scoring system. Utilizing variant allele frequency, disease prevalence and penetrance estimates, and inheritance mode, an automated score was calculated to assess if this variant is too frequent to cause the disease. Based on the score and internal cut-off values, a variant classified as benign is not then subjected to further curation. The score for this variant resulted in a classification of benign for this disease.

NM_012120.3(CD2AP):c.-441C>G

Genes: CD2AP (CD2 associated protein; plus strand), CD2AP-DT (CD2AP divergent transcript; minus strand), LOC129996604 (ATAC-STARR-seq lymphoblastoid silent region 17275; plus strand). Cytogenetic location: 6p12.3.
Variant type: single nucleotide variant.
Coding change: c.-441C>G on transcript NM_012120.3 (MANE Select); 441 bases upstream of the start codon, C replaced by G.
Molecular consequence: 5 prime UTR variant.
Genome position (GRCh38, 1-based): chr6:47,477,804, C>G. VCF-style: chr6-47477804-C-G. GRCh37 (hg19) VCF-style: chr6-47445540-C-G.
Identifiers: ClinVar variation 357150 (VCV000357150.8), dbSNP rs111766401, ClinGen allele CA10622280.